The following is an entry in ClinVar:

NM_000051.4(ATM):c.1399G>A (p.Asp467Asn)

Gene: ATM (ATM serine/threonine kinase; plus strand). Cytogenetic location: 11q22.3.
Variant type: single nucleotide variant.
Coding change: c.1399G>A on transcript NM_000051.4 (MANE Select); coding-DNA position 1399, G replaced by A.
Protein change: p.Asp467Asn; replaces aspartic acid 467 with asparagine.
Molecular consequence: missense variant.
Genome position (GRCh38, 1-based): chr11:108,250,864, G>A. VCF-style: chr11-108250864-G-A. GRCh37 (hg19) VCF-style: chr11-108121591-G-A.
Other names: c.1399G>A, p.Asp467Asn (NM_001351834.2); short protein forms D467N.
Identifiers: ClinVar variation 1692467 (VCV001692467.6), dbSNP rs2135321547, ClinGen allele CA382533922.

ClinVar aggregate classification (germline): Conflicting classifications of pathogenicity. Review status: criteria provided, conflicting classifications (1 of 4 stars). 4 submissions from 4 submitters: Uncertain significance (3); Likely benign (1). Last evaluated 2024-09-30.

Conditions:
Hereditary cancer-predisposing syndrome. Also called: Neoplastic Syndromes, Hereditary; Hereditary Cancer Syndrome; Tumor predisposition; Hereditary neoplastic syndrome. Identifiers: Orphanet 140162, MedGen C0027672, MeSH D009386, MONDO:0015356.
Ataxia-telangiectasia syndrome (AT). Also called: Ataxia telangiectasia (A-T); Ataxia-telangiectasia, complementation group D; ATAXIA-TELANGIECTASIA, COMPLEMENTATION GROUP A; ATAXIA-TELANGIECTASIA, FRESNO VARIANT; Cerebello-oculocutaneous telangiectasia; Immunodeficiency with ataxia telangiectasia. Identifiers: Orphanet 100, MedGen C0004135, MONDO:0008840, OMIM 208900.

Submissions (4):

GeneDx
Classification: Uncertain significance. Last evaluated: 2024-09-30. Review status: criteria provided, single submitter. Criteria: GeneDx Variant Classification Process June 2021. Collection method: clinical testing. Allele origin: germline. Affected: yes.
Comment: Not observed at significant frequency in large population cohorts (gnomAD); In silico analysis indicates that this missense variant does not alter protein structure/function; Has not been previously published as pathogenic or benign to our knowledge

Ambry Genetics
Classification: Likely benign for Hereditary cancer-predisposing syndrome. Last evaluated: 2024-05-18. Review status: criteria provided, single submitter. Criteria: Ambry Variant Classification Scheme 2023. Collection method: clinical testing. Allele origin: germline.

Labcorp Genetics (formerly Invitae), Labcorp
Classification: Uncertain significance for Ataxia-telangiectasia syndrome. Last evaluated: 2023-06-14. Review status: criteria provided, single submitter. Criteria: Invitae Variant Classification Sherloc (09022015). Collection method: clinical testing. Allele origin: germline.
Comment: This sequence change replaces aspartic acid, which is acidic and polar, with asparagine, which is neutral and polar, at codon 467 of the ATM protein (p.Asp467Asn). This variant is not present in population databases (gnomAD no frequency). This variant has not been reported in the literature in individuals affected with ATM-related conditions. ClinVar contains an entry for this variant (Variation ID: 1692467). Algorithms developed to predict the effect of missense changes on protein structure and function output the following: SIFT: "Not Available"; PolyPhen-2: "Benign"; Align-GVGD: "Not Available". The asparagine amino acid residue is found in multiple mammalian species, which suggests that this missense change does not adversely affect protein function. In summary, the available evidence is currently insufficient to determine the role of this variant in disease. Therefore, it has been classified as a Variant of Uncertain Significance.

Sema4
Classification: Uncertain significance for Hereditary cancer-predisposing syndrome. Last evaluated: 2021-10-12. Review status: criteria provided, single submitter. Criteria: Sema4 Curation Guidelines. Collection method: curation. Allele origin: germline.
Comment: The ATM c.1399G>A (p.D467N) variant has not been reported in the literature to our knowledge. It was not observed in the large and broad cohorts of the Genome Aggregation Database (PMID: 32461654), nor has it been reported in ClinVar. In silico tools suggest the impact of the variant on protein function is benign, though these predictions have not been confirmed by functional studies. The evidence is insufficient to meet ACMG/AMP criteria for classifying the variant as benign or pathogenic. Thus, the clinical significance of this variant is currently uncertain.